The following is an entry in ClinVar:

NM_030948.6(PHACTR1):c.1713T>G (p.Ser571Arg)

Genes: PHACTR1 (phosphatase and actin regulator 1; plus strand), TBC1D7-LOC100130357 (TBC1D7-LOC100130357 readthrough; minus strand), LOC100130357 (uncharacterized LOC100130357; minus strand). Cytogenetic location: 6p24.1.
Variant type: single nucleotide variant.
Coding change: c.1713T>G on transcript NM_030948.6 (MANE Select); coding-DNA position 1713, T replaced by G.
Protein change: p.Ser571Arg; replaces serine 571 with arginine.
Molecular consequence: missense variant. On other transcripts: intron variant (1).
Genome position (GRCh38, 1-based): chr6:13,286,208, T>G. VCF-style: chr6-13286208-T-G. GRCh37 (hg19) VCF-style: chr6-13286440-T-G.
Other names: c.1713T>G, p.Ser571Arg (NM_001242648.4, NM_001322308.3, NM_001322309.3 and 1 more transcripts); c.1920T>G, p.Ser640Arg (NM_001322310.2); c.1437T>G, p.Ser479Arg (NM_001322311.2, NM_001322312.3, NM_001374583.2); c.1644T>G, p.Ser548Arg (NM_001322313.2); c.1923T>G, p.Ser641Arg (NM_001322314.4); c.*40-18373A>C (NM_001318809.2); short protein forms S479R, S548R, S571R, S640R, S641R.
Identifiers: ClinVar variation 3342636 (VCV003342636.1).

ClinVar aggregate classification (germline): Uncertain significance (1 of 4 stars; one submission).

Submission:

GeneDx
Classification: Uncertain significance. Last evaluated: 2022-09-13. Review status: criteria provided, single submitter. Criteria: GeneDx Variant Classification Process June 2021. Collection method: clinical testing. Allele origin: germline. Affected: yes.
Comment: Not observed at significant frequency in large population cohorts (gnomAD); In silico analysis supports that this missense variant has a deleterious effect on protein structure/function; Has not been previously published as pathogenic or benign to our knowledge; Variants in candidate genes are classified as variants of uncertain significance in accordance with ACMG guidelines (Richards et al., 2015)